The following is an entry in ClinVar:

ClinVar aggregate classification (germline): Benign/Likely benign. Review status: criteria provided, multiple submitters, no conflicts (2 of 4 stars). 3 submissions from 3 submitters: Benign (1); Likely benign (2). Last evaluated 2026-08-01.

Conditions:
Epileptic encephalopathy. Identifiers: MedGen C0543888, HP:0200134.

Allele frequency attached by ClinVar (database versions not stated): ESP Exome Variant Server 0.00071; 1000 Genomes Project 30x 0.00078; 1000 Genomes Project 0.00080; gnomAD exomes 0.00100 and 0.00149; gnomAD 0.00105 and 0.00107; ExAC 0.00107; TOPMed 0.00107.
gnomAD v4.1: 2,325 of 1,613,892 alleles (0.14%); highest among the groups gnomAD compares: Non-Finnish European, 0.18%; 6 homozygotes.

Submissions (3):

CeGaT Center for Human Genetics Tuebingen
Classification: Likely benign. Last evaluated: 2026-08-01. Review status: criteria provided, single submitter. Criteria: CeGaT Center For Human Genetics Tuebingen Variant Classification Criteria Version 2. Collection method: clinical testing. Allele origin: germline. Affected: yes. Observed: 8 variant alleles.
Comment: RYR3: BP4, BP7

Blueprint Genetics
Classification: Likely benign. Last evaluated: 2024-11-13. Review status: criteria provided, single submitter. Criteria: ACMG Guidelines, 2015. Collection method: clinical testing. Allele origin: germline.

Labcorp Genetics (formerly Invitae), Labcorp
Classification: Benign for Epileptic encephalopathy. Last evaluated: 2024-11-05. Review status: criteria provided, single submitter. Criteria: Invitae Variant Classification Sherloc (09022015). Collection method: clinical testing. Allele origin: germline.

NM_001036.6(RYR3):c.2214G>A (p.Ser738=)

Gene: RYR3 (ryanodine receptor 3; plus strand). Cytogenetic location: 15q14.
Variant type: single nucleotide variant.
Coding change: c.2214G>A on transcript NM_001036.6 (MANE Select); coding-DNA position 2214, G replaced by A.
Protein change: p.Ser738=; no amino-acid change (serine 738 retained).
Molecular consequence: synonymous variant.
Genome position (GRCh38, 1-based): chr15:33,613,232, G>A. VCF-style: chr15-33613232-G-A. GRCh37 (hg19) VCF-style: chr15-33905433-G-A.
Other names: c.2214G>A, p.Ser738= (NM_001243996.4).
Identifiers: ClinVar variation 461889 (VCV000461889.49), dbSNP rs201215774, ClinGen allele CA7458358.
Genomic context (GRCh38, chr15:33,613,232, plus strand): 5'-TTCCTCACCAGGCCGGATACCCAGAGCTGTGGCTTCCATCAACCAGCACCTCCTGAGATC[G>A]GATGACGTGGTAAGCTGCTGCCTGGACCTCGGGGTGCCCAGCATCTCATTCCGCATCAAT-3'
Protein context (NP_001027.3, residues 728-748): VASINQHLLR[Ser738=]DDVVSCCLDL